The following is an entry in ClinVar:

NM_000038.6(APC):c.7488_7489insA (p.Ser2497fs)

Gene: APC (APC regulator of Wnt signaling pathway; plus strand). Cytogenetic location: 5q22.2.
Variant type: Insertion.
Coding change: c.7488_7489insA on transcript NM_000038.6 (MANE Select); coding-DNA positions 7488 to 7489, A inserted.
Protein change: p.Ser2497fs; shifts the reading frame from serine 2497.
Molecular consequence: frameshift variant. On other transcripts: non-coding transcript variant (2).
Genome position: GRCh38 VCF-style: chr5-112843082-T-TA. GRCh37 (hg19) VCF-style: chr5-112178779-T-TA.
Other names: c.7488_7489insA, p.Ser2497fs (NM_001127510.3, NM_001354895.2, NM_001407450.1); c.7434_7435insA, p.Ser2479fs (NM_001127511.3); c.7542_7543insA, p.Ser2515fs (NM_001354896.2, NM_001407447.1, NM_001407448.1 and 1 more transcripts); c.7518_7519insA, p.Ser2507fs (NM_001354897.2); c.7413_7414insA, p.Ser2472fs (NM_001354898.2); c.7404_7405insA, p.Ser2469fs (NM_001354899.2); c.7365_7366insA, p.Ser2456fs (NM_001354900.2); c.7311_7312insA, p.Ser2438fs (NM_001354901.2, NM_001407453.1); and 11 more; short protein forms S2214fs, S2368fs, S2438fs, S2497fs, S2371fs, S2406fs, S2472fs, S2490fs.
Identifiers: ClinVar variation 2587011 (VCV002587011.2), dbSNP rs2533797137, ClinGen allele CA2582341627.

ClinVar aggregate classification (germline): Pathogenic (1 of 4 stars; one submission).

Conditions:
Hereditary cancer-predisposing syndrome. Also called: Hereditary neoplastic syndrome; Tumor predisposition; Hereditary Cancer Syndrome; Neoplastic Syndromes, Hereditary. Identifiers: Orphanet 140162, MedGen C0027672, MeSH D009386, MONDO:0015356.

Submission:

Ambry Genetics
Classification: Pathogenic for Hereditary cancer-predisposing syndrome. Last evaluated: 2023-08-02. Review status: criteria provided, single submitter. Criteria: Ambry Variant Classification Scheme 2023. Collection method: clinical testing. Allele origin: germline.
Comment: The c.7488_7489insA pathogenic mutation, located in coding exon 15 of the APC gene, results from an insertion of one nucleotide at position 7488, causing a translational frameshift with a predicted alternate stop codon (p.S2497Ifs*14). This alteration has been observed in at least one individual with a personal and/or family history that is consistent with APC-related disease (Ambry internal data). This variant is considered to be rare based on population cohorts in the Genome Aggregation Database (gnomAD). This alteration is expected to result in loss of function by premature protein truncation. As such, this alteration is interpreted as a disease-causing mutation.